The following is an entry in ClinVar:

ClinVar aggregate classification (germline): Uncertain significance. Review status: criteria provided, multiple submitters, no conflicts (2 of 4 stars). 3 submissions from 3 submitters: Uncertain significance (3). Last evaluated 2025-09-01.

Conditions:
Hereditary cancer-predisposing syndrome. Also called: Tumor predisposition; Neoplastic Syndromes, Hereditary; Hereditary neoplastic syndrome; Hereditary Cancer Syndrome. Identifiers: Orphanet 140162, MedGen C0027672, MeSH D009386, MONDO:0015356.
Nijmegen breakage syndrome-like disorder (NBSLD). Also called: MICROCEPHALY AND SPONTANEOUS CHROMOSOME INSTABILITY WITHOUT IMMUNODEFICIENCY; NBS-LIKE DISORDER; RAD50 DEFICIENCY. Identifiers: Orphanet 240760, MedGen C2751318, MONDO:0013118, OMIM 613078.

Allele frequency attached by ClinVar (database versions not stated): TOPMed below 0.00001; gnomAD 0.00001; gnomAD exomes 0.00001 and 0.00002; ExAC 0.00003.
gnomAD v4.1: 18 of 1,612,804 alleles (0.0011%); highest among the groups gnomAD compares: Non-Finnish European, 0.00042%; no homozygotes.

Submissions (3):

Ambry Genetics
Classification: Uncertain significance for Hereditary cancer-predisposing syndrome. Last evaluated: 2025-09-01. Review status: criteria provided, single submitter. Criteria: Ambry Variant Classification Scheme 2023. Collection method: clinical testing. Allele origin: germline.

Labcorp Genetics (formerly Invitae), Labcorp
Classification: Uncertain significance for Hereditary cancer-predisposing syndrome. Last evaluated: 2025-06-16. Review status: criteria provided, single submitter. Criteria: Invitae Variant Classification Sherloc (09022015). Collection method: clinical testing. Allele origin: germline.
Comment: This sequence change replaces glutamine, which is neutral and polar, with leucine, which is neutral and non-polar, at codon 194 of the RAD50 protein (p.Gln194Leu). This variant is present in population databases (rs745842591, gnomAD 0.05%). This variant has not been reported in the literature in individuals affected with RAD50-related conditions. ClinVar contains an entry for this variant (Variation ID: 185513). Invitae Evidence Modeling of protein sequence and biophysical properties (such as structural, functional, and spatial information, amino acid conservation, physicochemical variation, residue mobility, and thermodynamic stability) indicates that this missense variant is not expected to disrupt RAD50 protein function with a negative predictive value of 80%. RNA analysis performed to evaluate the impact of this missense change on mRNA splicing indicates it does not significantly alter splicing (internal data). In summary, the available evidence is currently insufficient to determine the role of this variant in disease. Therefore, it has been classified as a Variant of Uncertain Significance.

Baylor Genetics
Classification: Uncertain significance for Nijmegen breakage syndrome-like disorder. Last evaluated: 2024-01-27. Review status: criteria provided, single submitter. Criteria: ACMG Guidelines, 2015. Collection method: clinical testing. Allele origin: unknown.

NM_005732.4(RAD50):c.581A>T (p.Gln194Leu)

Gene: RAD50 (RAD50 double strand break repair protein; plus strand). Cytogenetic location: 5q31.1.
Variant type: single nucleotide variant.
Coding change: c.581A>T on transcript NM_005732.4 (MANE Select); coding-DNA position 581, A replaced by T.
Protein change: p.Gln194Leu; replaces glutamine 194 with leucine.
Molecular consequence: missense variant.
Genome position (GRCh38, 1-based): chr5:132,579,891, A>T. VCF-style: chr5-132579891-A-T. GRCh37 (hg19) VCF-style: chr5-131915583-A-T.
Other names: short protein forms Q194L.
Identifiers: ClinVar variation 185513 (VCV000185513.18), dbSNP rs745842591, ClinGen allele CA333882.